The following is an entry in ClinVar:

NM_001378609.3(OTOGL):c.1113T>C (p.His371=)

Gene: OTOGL (otogelin like; plus strand). Cytogenetic location: 12q21.31.
Variant type: single nucleotide variant.
Coding change: c.1113T>C on transcript NM_001378609.3 (MANE Select); coding-DNA position 1113, T replaced by C.
Protein change: p.His371=; no amino-acid change (histidine 371 retained).
Molecular consequence: synonymous variant.
Genome position (GRCh38, 1-based): chr12:80,251,753, T>C. VCF-style: chr12-80251753-T-C. GRCh37 (hg19) VCF-style: chr12-80645533-T-C.
Other names: c.1113T>C, p.His371= (NM_001368062.3, NM_001378610.3, NM_173591.7).
Identifiers: ClinVar variation 3051619 (VCV003051619.5), dbSNP rs764592001, ClinGen allele CA6700370.

ClinVar aggregate classification (germline): Likely benign. Review status: criteria provided, multiple submitters, no conflicts (2 of 4 stars). 3 submissions from 3 submitters: Likely benign (2). 1 of the submissions does not count toward it. Last evaluated 2024-04-20.

Conditions:
OTOGL-related disorder. Also called: OTOGL-related condition.

Allele frequency attached by ClinVar (database versions not stated): gnomAD 0.00012; TOPMed 0.00014; ExAC 0.00018.
gnomAD v4.1: 256 of 1,593,242 alleles (0.016%); highest among the groups gnomAD compares: Non-Finnish European, 0.02%; no homozygotes.

Submissions (3):

Labcorp Genetics (formerly Invitae), Labcorp
Classification: Likely benign. Last evaluated: 2024-04-20. Review status: criteria provided, single submitter. Criteria: Invitae Variant Classification Sherloc (09022015). Collection method: clinical testing. Allele origin: germline.

Blueprint Genetics
Classification: Likely benign. Last evaluated: 2022-11-21. Review status: criteria provided, single submitter. Criteria: ACMG Guidelines, 2015. Collection method: clinical testing. Allele origin: germline.

PreventionGenetics, part of Exact Sciences
Classification: Likely benign for OTOGL-related condition. Last evaluated: 2020-02-14. Review status: no assertion criteria provided. Collection method: clinical testing. Allele origin: germline. Not counted in ClinVar's aggregate classification.
Comment: This variant is classified as likely benign based on ACMG/AMP sequence variant interpretation guidelines (Richards et al. 2015 PMID: 25741868, with internal and published modifications).